The following is an entry in ClinVar:

ClinVar aggregate classification (germline): Uncertain significance (1 of 4 stars; one submission).

Conditions:
Hypokalemic periodic paralysis, type 1. Also called: HypoPP; Hypokalemic Periodic Paralysis Type 1 (AD). Identifiers: Orphanet 681, MedGen C3714580, MONDO:0042979, OMIM 170400.
Malignant hyperthermia, susceptibility to, 5 (MHS5). Also called: CACNA1S-Related Malignant Hyperthermia Susceptibility. Identifiers: Orphanet 423, MedGen C1866077, MONDO:0011163, OMIM 601887.

gnomAD v4.1: 6 of 1,613,894 alleles (0.00037%); highest among the groups gnomAD compares: Non-Finnish European, 0.00042%; no homozygotes.

Submission:

Labcorp Genetics (formerly Invitae), Labcorp
Classification: Uncertain significance for Hypokalemic periodic paralysis, type 1; Malignant hyperthermia, susceptibility to, 5. Last evaluated: 2024-01-02. Review status: criteria provided, single submitter. Criteria: Invitae Variant Classification Sherloc (09022015). Collection method: clinical testing. Allele origin: germline.
Comment: This sequence change replaces proline, which is neutral and non-polar, with leucine, which is neutral and non-polar, at codon 1432 of the CACNA1S protein (p.Pro1432Leu). This variant is not present in population databases (gnomAD no frequency). This variant has not been reported in the literature in individuals affected with CACNA1S-related conditions. ClinVar contains an entry for this variant (Variation ID: 1044662). Advanced modeling of protein sequence and biophysical properties (such as structural, functional, and spatial information, amino acid conservation, physicochemical variation, residue mobility, and thermodynamic stability) performed at Invitae indicates that this missense variant is expected to disrupt CACNA1S protein function with a positive predictive value of 80%. In summary, the available evidence is currently insufficient to determine the role of this variant in disease. Therefore, it has been classified as a Variant of Uncertain Significance.

NM_000069.3(CACNA1S):c.4295C>T (p.Pro1432Leu)

Gene: CACNA1S (calcium voltage-gated channel subunit alpha1 S; minus strand). Cytogenetic location: 1q32.1.
Variant type: single nucleotide variant.
Coding change: c.4295C>T on transcript NM_000069.3 (MANE Select); coding-DNA position 4295, C replaced by T.
Protein change: p.Pro1432Leu; replaces proline 1432 with leucine.
Molecular consequence: missense variant.
Genome position (GRCh38, 1-based): chr1:201,049,046, G>A on the plus strand (C>T on the coding strand, the complement: CACNA1S is on the minus strand). VCF-style: chr1-201049046-G-A. GRCh37 (hg19) VCF-style: chr1-201018174-G-A.
Other names: short protein forms P1432L.
Identifiers: ClinVar variation 1044662 (VCV001044662.9), dbSNP rs1660566248, ClinGen allele CA344146276.
Genomic context (GRCh38, chr1:201,049,046, plus strand): 5'-CTGGCAGCTCTGGTTACCTTACAAGCTACCCGATGTGGGCAGAACTTCCCAAAGCCCAGA[G>A]GGGGCTGAATCCTTCTCAGCAGGGTCACCACGTCCAGGTGTTTGATTCTCCCCCTGCGGG-3'
Protein context (NP_000060.2, residues 1422-1442): VVTLLRRIQP[Pro1432Leu]LGFGKFCPHR